The following is an entry in ClinVar:

NM_002769.5(PRSS1):c.365_366delinsAT (p.Arg122His)

Genes: PRSS1 (serine protease 1; plus strand), TRB (T cell receptor beta locus; plus strand). Cytogenetic location: 7q34.
Variant type: Indel.
Coding change: c.365_366delinsAT on transcript NM_002769.5 (MANE Select); coding-DNA positions 365 to 366, GC replaced by AT.
Protein change: p.Arg122His; replaces arginine 122 with histidine.
Molecular consequence: missense variant.
Genome position (GRCh38, 1-based): chr7:142,751,938-142,751,939, GC replaced by AT. VCF-style: chr7-142751938-GC-AT. GRCh37 (hg19) VCF-style: chr7-142459789-GC-AT.
Other names: PRSS1, ARG122HIS, 365GC-AT; short protein forms R122H.
Identifiers: ClinVar variation 11882 (VCV000011882.4), dbSNP rs267606982, ClinGen allele CA256109.
Genomic context (GRCh38, chr7:142,751,938, plus strand): 5'-AGACTCTGAACAATGACATCATGTTAATCAAGCTCTCCTCACGTGCAGTAATCAACGCCC[GC>AT]GTGTCCACCATCTCTCTGCCCACCGCCCCTCCAGCCACTGGCACGAAGTGCCTCATCTCT-3'
Protein context (NP_002760.1, residues 112-132): KLSSRAVINA[Arg122His]VSTISLPTAP

ClinVar aggregate classification (germline): Pathogenic. Review status: no assertion criteria provided (0 of 4 stars). 2 submissions from 2 submitters: Pathogenic (2). Last evaluated 2006-08-01.

Conditions:
Hereditary pancreatitis (PCTT). Also called: Hereditary chronic pancreatitis; PRSS1-Related Hereditary Pancreatitis. Identifiers: Orphanet 676, MedGen C0238339, MONDO:0008185, OMIM 167800.

Submissions (2):

OMIM
Classification: Pathogenic for PANCREATITIS, HEREDITARY. Last evaluated: 2006-08-01. Review status: no assertion criteria provided. Collection method: literature only. Allele origin: germline.

Forschungslabor Klinik Innere Medizin A University Medicine Greifswald
Classification: Pathogenic for Hereditary pancreatitis. Review status: no assertion criteria provided. Collection method: not provided. Allele origin: inherited.
Comment: Result of a ~70bp gene conversion between PRSS1 and PRSS3P2, giving rise to a triple mutant cationic Trypsinogen (p.S115T/p.R116P/p.R122H). The triple Mutant and Mutant p.R122H cationic Trypsinogen show increased autoactivation in the presence of Chymotrypsin C
ClinVar note: Converted during submission from pathogenic to Pathogenic.

Literature cited by the submitters: PubMed 11702203 (cited by OMIM); PubMed 16791840 (cited by OMIM).